The following is an entry in ClinVar:

NC_000005.9:g.(?_140896398)_(140998501_?)dup

Gene: DIAPH1 (diaphanous related formin 1; minus strand). Cytogenetic location: 5q31.3.
Variant type: Duplication.
Identifiers: ClinVar variation 1444006 (VCV001444006.1).

ClinVar aggregate classification (germline): Uncertain significance (1 of 4 stars; one submission).

Conditions:
Autosomal dominant nonsyndromic hearing loss 1. Also called: DEAFNESS, AUTOSOMAL DOMINANT 1, WITH OR WITHOUT THROMBOCYTOPENIA; KONIGSMARK SYNDROME. Identifiers: Orphanet 90635, MedGen C1852282, MONDO:0007424, OMIM 124900.
Progressive microcephaly-seizures-cortical blindness-developmental delay syndrome. Also called: Seizures, cortical blindness, and microcephaly syndrome. Identifiers: Orphanet 477814, MedGen C5567650, MONDO:0014714, OMIM 616632.

Submission:

Labcorp Genetics (formerly Invitae), Labcorp
Classification: Uncertain significance for Progressive microcephaly-seizures-cortical blindness-developmental delay syndrome; Autosomal dominant nonsyndromic hearing loss 1. Last evaluated: 2021-02-18. Review status: criteria provided, single submitter. Criteria: Invitae Variant Classification Sherloc (09022015). Collection method: clinical testing. Allele origin: germline.
Comment: A copy number gain of the genomic region encompassing the full coding sequence of the DIAPH1 gene has been identified. The boundaries of this event are unknown as they extend beyond the assayed region for this gene and therefore may encompass additional genes. As the precise location of this event is unknown, it may be in tandem or it may be located elsewhere in the genome. This variant has not been reported in the literature in individuals with DIAPH1-related conditions. In summary, the available evidence is currently insufficient to determine the role of this variant in disease. Therefore, it has been classified as a Variant of Uncertain Significance.